The following is an entry in ClinVar:

NM_001009944.3(PKD1):c.12714G>A (p.Gln4238=)

Gene: PKD1 (polycystin 1, transient receptor potential channel interacting; minus strand). Cytogenetic location: 16p13.3.
Variant type: single nucleotide variant.
Coding change: c.12714G>A on transcript NM_001009944.3 (MANE Select); coding-DNA position 12714, G replaced by A.
Protein change: p.Gln4238=; no amino-acid change (glutamine 4238 retained).
Molecular consequence: synonymous variant.
Genome position (GRCh38, 1-based): chr16:2,089,925, C>T on the plus strand (G>A on the coding strand, the complement: PKD1 is on the minus strand). VCF-style: chr16-2089925-C-T. GRCh37 (hg19) VCF-style: chr16-2139926-C-T.
Other names: c.12711G>A, p.Gln4237= (NM_000296.4).
Identifiers: ClinVar variation 3055707 (VCV003055707.2), dbSNP rs755048734, ClinGen allele CA7828494.

ClinVar aggregate classification (germline): Likely benign (0 of 4 stars; one submission).

Conditions:
PKD1-related disorder. Also called: PKD1-related condition.

gnomAD v4.1: 4 of 1,612,178 alleles (0.00025%); highest among the groups gnomAD compares: Admixed American, 0.005%; no homozygotes.

Submission:

PreventionGenetics, part of Exact Sciences
Classification: Likely benign for PKD1-related condition. Last evaluated: 2019-05-01. Review status: no assertion criteria provided. Collection method: clinical testing. Allele origin: germline.
Comment: This variant is classified as likely benign based on ACMG/AMP sequence variant interpretation guidelines (Richards et al. 2015 PMID: 25741868, with internal and published modifications).